The following is an entry in ClinVar:

ClinVar aggregate classification (germline): Benign (1 of 4 stars; one submission).

Allele frequency attached by ClinVar (database versions not stated): TOPMed 0.97656; 1000 Genomes Project 30x 0.97767; 1000 Genomes Project 0.97863; gnomAD 0.97885; gnomAD exomes 0.99823.

Submissions (7):

Unidad de Genómica Garrahan, Hospital de Pediatría Garrahan
Classification: Benign. Last evaluated: 2024-01-24. Review status: criteria provided, single submitter. Criteria: ACMG Guidelines, 2015. Collection method: clinical testing. Allele origin: germline. Affected: no. Observed: 95 variant alleles.
Comment: This variant is classified as Benign based on local population frequency. This variant was detected in 100% of patients studied by a panel of primary immunodeficiencies. Number of patients: 95. Only high quality variants are reported.

Dr. Peter K. Rogan Lab, Western University
No classification provided (evidence only). Condition: Familial cancer of breast. Review status: no classification provided. Collection method: in vitro. Allele origin: not applicable. Functional consequence: retained intron. Not counted in ClinVar's aggregate classification.

Dr. Peter K. Rogan Lab, Western University
No classification provided (evidence only). Condition: Malignant lymphoma, large B-cell, diffuse. Review status: no classification provided. Collection method: in vitro. Allele origin: not applicable. Functional consequence: retained intron. Not counted in ClinVar's aggregate classification.

Dr. Peter K. Rogan Lab, Western University
No classification provided (evidence only). Condition: Malignant lymphoma, large B-cell, diffuse. Review status: no classification provided. Collection method: in vitro. Allele origin: not applicable. Functional consequence: retained intron. Not counted in ClinVar's aggregate classification.

Dr. Peter K. Rogan Lab, Western University
No classification provided (evidence only). Condition: Malignant lymphoma, large B-cell, diffuse. Review status: no classification provided. Collection method: in vitro. Allele origin: not applicable. Functional consequence: retained intron. Not counted in ClinVar's aggregate classification.

Dr. Peter K. Rogan Lab, Western University
No classification provided (evidence only). Condition: Hepatocellular carcinoma. Review status: no classification provided. Collection method: in vitro. Allele origin: not applicable. Functional consequence: retained intron. Not counted in ClinVar's aggregate classification.

Dr. Peter K. Rogan Lab, Western University
No classification provided (evidence only). Condition: Hepatocellular carcinoma. Review status: no classification provided. Collection method: in vitro. Allele origin: not applicable. Functional consequence: retained intron. Not counted in ClinVar's aggregate classification.

NM_003745.2(SOCS1):c.-50-18T>G

Genes: SOCS1 (suppressor of cytokine signaling 1; minus strand), LOC130058480 (ATAC-STARR-seq lymphoblastoid silent region 7199; plus strand). Cytogenetic location: 16p13.13.
Variant type: single nucleotide variant.
Coding change: c.-50-18T>G on transcript NM_003745.2 (MANE Select); 18 bases into the intron before 50 bases upstream of the start codon, T replaced by G.
Molecular consequence: intron variant.
Genome position (GRCh38, 1-based): chr16:11,255,546, A>C on the plus strand (T>G on the coding strand, the complement: SOCS1 is on the minus strand). VCF-style: chr16-11255546-A-C. GRCh37 (hg19) VCF-style: chr16-11349403-A-C.
Other names: NC_000016.9:g.11349403A>C.
Identifiers: ClinVar variation 2687944 (VCV002687944.3), dbSNP rs27829, ClinGen allele CA278232818.